The following is an entry in ClinVar:

NM_000057.4(BLM):c.220A>G (p.Ser74Gly)

Gene: BLM (BLM RecQ like helicase; plus strand). Cytogenetic location: 15q26.1.
Variant type: single nucleotide variant.
Coding change: c.220A>G on transcript NM_000057.4 (MANE Select); coding-DNA position 220, A replaced by G.
Protein change: p.Ser74Gly; replaces serine 74 with glycine.
Molecular consequence: missense variant. On other transcripts: 5 prime UTR variant (1).
Genome position (GRCh38, 1-based): chr15:90,749,488, A>G. VCF-style: chr15-90749488-A-G. GRCh37 (hg19) VCF-style: chr15-91292718-A-G.
Other names: c.220A>G, p.Ser74Gly (NM_001287246.2, NM_001287247.2); c.-1072A>G (NM_001287248.2); short protein forms S74G.
Identifiers: ClinVar variation 856636 (VCV000856636.14), dbSNP rs1895604535, ClinGen allele CA393839811.

ClinVar aggregate classification (germline): Uncertain significance. Review status: criteria provided, multiple submitters, no conflicts (2 of 4 stars). 2 submissions from 2 submitters: Uncertain significance (2). Last evaluated 2024-04-28.

Conditions:
Bloom syndrome (BLM). Also called: Bloom-Torre-Machacek syndrome. Identifiers: Orphanet 125, MedGen C0005859, MONDO:0008876, OMIM 210900.
Hereditary cancer-predisposing syndrome. Also called: Tumor predisposition; Hereditary neoplastic syndrome; Neoplastic Syndromes, Hereditary; Hereditary Cancer Syndrome. Identifiers: Orphanet 140162, MedGen C0027672, MeSH D009386, MONDO:0015356.

Submissions (2):

Ambry Genetics
Classification: Uncertain significance for Hereditary cancer-predisposing syndrome. Last evaluated: 2024-04-28. Review status: criteria provided, single submitter. Criteria: Ambry Variant Classification Scheme 2023. Collection method: clinical testing. Allele origin: germline.
Comment: The p.S74G variant (also known as c.220A>G), located in coding exon 2 of the BLM gene, results from an A to G substitution at nucleotide position 220. The serine at codon 74 is replaced by glycine, an amino acid with similar properties. This amino acid position is not well conserved in available vertebrate species. In addition, this alteration is predicted to be tolerated by in silico analysis. Since supporting evidence is limited at this time, the clinical significance of this alteration remains unclear.

Labcorp Genetics (formerly Invitae), Labcorp
Classification: Uncertain significance for Bloom syndrome. Last evaluated: 2023-09-10. Review status: criteria provided, single submitter. Criteria: Invitae Variant Classification Sherloc (09022015). Collection method: clinical testing. Allele origin: germline.
Comment: This sequence change replaces serine, which is neutral and polar, with glycine, which is neutral and non-polar, at codon 74 of the BLM protein (p.Ser74Gly). This variant is not present in population databases (gnomAD no frequency). This variant has not been reported in the literature in individuals affected with BLM-related conditions. ClinVar contains an entry for this variant (Variation ID: 856636). In summary, the available evidence is currently insufficient to determine the role of this variant in disease. Therefore, it has been classified as a Variant of Uncertain Significance. Algorithms developed to predict the effect of missense changes on protein structure and function output the following: SIFT: "Not Available"; PolyPhen-2: "Benign"; Align-GVGD: "Not Available". The glycine amino acid residue is found in multiple mammalian species, which suggests that this missense change does not adversely affect protein function.